The following is an entry in ClinVar:

GRCh38/hg38 11q24.3-25(chr11:129700536-134998513)x1

Genes: ACAD8 (acyl-CoA dehydrogenase family member 8; plus strand), ADAMTS15 (ADAM metallopeptidase with thrombospondin type 1 motif 15; plus strand), ADAMTS8 (ADAM metallopeptidase with thrombospondin type 1 motif 8; minus strand), APLP2 (amyloid beta precursor like protein 2; plus strand), B3GAT1 (beta-1,3-glucuronyltransferase 1; minus strand) and 144 more. Cytogenetic location: 11q24.3-25.
Variant type: copy number loss.
Change: copy number 1 (one copy instead of two) of chr11:129,700,536-134,998,513 (5.30 Mb, GRCh38 coordinates, 1-based), cytogenetic band 11q24.3-25.
Identifiers: ClinVar variation 58949 (VCV000058949.1).

ClinVar aggregate classification (germline): Pathogenic (1 of 4 stars; one submission).

Submission:

ISCA site 17
Classification: Pathogenic. Last evaluated: 2011-08-12. Review status: criteria provided, single submitter. Criteria: Kaminsky et al. (Genet Med. 2011). Collection method: clinical testing. Allele origin: paternal. Affected: yes. Observed: 1 variant allele.
Comment: Copy number variation identified through the course of routine clinical cytogenomic testing in postnatal populations. Clinical assertions have been curated as described in Kaminsky et al. 2011.